The following is an entry in ClinVar:

ClinVar aggregate classification (germline): Likely benign (1 of 4 stars; one submission).

gnomAD v4.1: 1 of 1,611,440 alleles (0.000062%); highest among the groups gnomAD compares: Non-Finnish European, 0.000085%; no homozygotes.

Submission:

GeneDx
Classification: Likely benign. Last evaluated: 2017-03-27. Review status: criteria provided, single submitter. Criteria: GeneDx Variant Classification (06012015). Collection method: clinical testing. Allele origin: germline. Affected: yes.
Comment: This variant is considered likely benign or benign based on one or more of the following criteria: it is a conservative change, it occurs at a poorly conserved position in the protein, it is predicted to be benign by multiple in silico algorithms, and/or has population frequency not consistent with disease.

NM_016035.5(COQ4):c.71-5C>T

Gene: COQ4 (coenzyme Q4; plus strand). Cytogenetic location: 9q34.11.
Variant type: single nucleotide variant.
Coding change: c.71-5C>T on transcript NM_016035.5 (MANE Select); 5 bases into the intron before coding-DNA position 71, C replaced by T.
Molecular consequence: intron variant.
Genome position (GRCh38, 1-based): chr9:128,323,011, C>T. VCF-style: chr9-128323011-C-T. GRCh37 (hg19) VCF-style: chr9-131085290-C-T.
Other names: c.71-5C>T (NM_001305942.2).
Identifiers: ClinVar variation 507730 (VCV000507730.1), dbSNP rs760080044, ClinGen allele CA658797287.